The following is an entry in ClinVar:

NM_000719.7(CACNA1C):c.3930A>G (p.Gln1310=)

Gene: CACNA1C (calcium voltage-gated channel subunit alpha1 C; plus strand). Cytogenetic location: 12p13.33.
Variant type: single nucleotide variant.
Coding change: c.3930A>G on transcript NM_000719.7 (MANE Select); coding-DNA position 3930, A replaced by G.
Protein change: p.Gln1310=; no amino-acid change (glutamine 1310 retained).
Molecular consequence: synonymous variant. On other transcripts: intron variant (6).
Genome position (GRCh38, 1-based): chr12:2,648,492, A>G. VCF-style: chr12-2648492-A-G. GRCh37 (hg19) VCF-style: chr12-2757658-A-G.
Other names: c.4074A>G, p.Gln1358= (NM_001129827.2, NM_199460.4); c.3930A>G, p.Gln1310= (NM_001129829.2, NM_001129830.3, NM_001129833.2 and 8 more transcripts); c.4014A>G, p.Gln1338= (NM_001129831.2); c.3990A>G, p.Gln1330= (NM_001129832.2); c.3921A>G, p.Gln1307= (NM_001129844.2); c.3913-3148A>G (NM_001167625.2, NM_001129837.2, NM_001129838.2 and 1 more transcripts); c.3907-3148A>G (NM_001129839.2); c.3997-3148A>G (NM_001129836.2).
Identifiers: ClinVar variation 741866 (VCV000741866.12), dbSNP rs369262825, ClinGen allele CA6389391.

ClinVar aggregate classification (germline): Likely benign. Review status: criteria provided, multiple submitters, no conflicts (2 of 4 stars). 2 submissions from 2 submitters: Likely benign (2). Last evaluated 2026-09-01.

Conditions:
Long QT syndrome (LQTS). Identifiers: MedGen C0023976, MeSH D008133, MONDO:0002442. Disease mechanism: loss of function. Inheritance: Various modes of inheritance.

Allele frequency attached by ClinVar (database versions not stated): gnomAD 0.00002 and 0.00003; TOPMed 0.00003; gnomAD exomes 0.00005; ExAC 0.00006; ESP Exome Variant Server 0.00008.
gnomAD v4.1: 30 of 1,613,508 alleles (0.0019%); highest among the groups gnomAD compares: East Asian, 0.029%; no homozygotes.

Submissions (2):

CeGaT Center for Human Genetics Tuebingen
Classification: Likely benign. Last evaluated: 2026-09-01. Review status: criteria provided, single submitter. Criteria: CeGaT Center For Human Genetics Tuebingen Variant Classification Criteria Version 2. Collection method: clinical testing. Allele origin: germline. Affected: yes. Observed: 1 variant allele.
Comment: CACNA1C: BP4, BP7

Labcorp Genetics (formerly Invitae), Labcorp
Classification: Likely benign for Long QT syndrome. Last evaluated: 2025-08-15. Review status: criteria provided, single submitter. Criteria: Invitae Variant Classification Sherloc (09022015). Collection method: clinical testing. Allele origin: germline.